The following is an entry in ClinVar:

ClinVar aggregate classification (germline): Likely pathogenic (1 of 4 stars; one submission).

Submission:

CeGaT Center for Human Genetics Tuebingen
Classification: Likely pathogenic. Last evaluated: 2023-03-01. Review status: criteria provided, single submitter. Criteria: CeGaT Center For Human Genetics Tuebingen Variant Classification Criteria Version 2. Collection method: clinical testing. Allele origin: germline. Affected: yes. Observed: 3 variant alleles.
Comment: CASR: PM1, PM2, PP2, PP4

NM_000388.4(CASR):c.1054T>G (p.Trp352Gly)

Gene: CASR (calcium sensing receptor; plus strand). Cytogenetic location: 3q21.1.
Variant type: single nucleotide variant.
Coding change: c.1054T>G on transcript NM_000388.4 (MANE Select); coding-DNA position 1054, T replaced by G.
Protein change: p.Trp352Gly; replaces tryptophan 352 with glycine.
Molecular consequence: missense variant.
Genome position (GRCh38, 1-based): chr3:122,262,089, T>G. VCF-style: chr3-122262089-T-G. GRCh37 (hg19) VCF-style: chr3-121980936-T-G.
Other names: c.1054T>G, p.Trp352Gly (NM_001178065.2); short protein forms W352G.
Identifiers: ClinVar variation 1879587 (VCV001879587.29), dbSNP rs2107632817, ClinGen allele CA354152417.
Genomic context (GRCh38, chr3:122,262,089, plus strand): 5'-GAATTCCTGAAGAAGGTCCATCCCAGGAAGTCTGTCCACAATGGTTTTGCCAAGGAGTTT[T>G]GGGAAGAAACATTTAACTGCCACCTCCAAGAAGGTGCAAAAGGACCTTTACCTGTGGACA-3'
Protein context (NP_000379.3, residues 342-362): SVHNGFAKEF[Trp352Gly]EETFNCHLQE